The following is an entry in ClinVar:

NM_032482.3(DOT1L):c.3980G>C (p.Ser1327Thr)

Gene: DOT1L (DOT1 like histone lysine methyltransferase; plus strand). Cytogenetic location: 19p13.3.
Variant type: single nucleotide variant.
Coding change: c.3980G>C on transcript NM_032482.3 (MANE Select); coding-DNA position 3980, G replaced by C.
Protein change: p.Ser1327Thr; replaces serine 1327 with threonine.
Molecular consequence: missense variant.
Genome position (GRCh38, 1-based): chr19:2,226,501, G>C. VCF-style: chr19-2226501-G-C. GRCh37 (hg19) VCF-style: chr19-2226500-G-C.
Other names: c.3980G>C, p.Ser1327Thr (NM_001411141.1); short protein forms S1327T.
Identifiers: ClinVar variation 3367729 (VCV003367729.1).

ClinVar aggregate classification (germline): Uncertain significance (1 of 4 stars; one submission).

Submission:

GeneDx
Classification: Uncertain significance. Last evaluated: 2024-01-16. Review status: criteria provided, single submitter. Criteria: GeneDx Variant Classification Process June 2021. Collection method: clinical testing. Allele origin: germline. Affected: yes.
Comment: Not observed at significant frequency in large population cohorts (gnomAD); In silico analysis supports that this missense variant does not alter protein structure/function; Has not been previously published as pathogenic or benign to our knowledge